The following is an entry in ClinVar:

ClinVar aggregate classification (germline): Pathogenic. Review status: criteria provided, multiple submitters, no conflicts (2 of 4 stars). 2 submissions from 2 submitters: Pathogenic (2). Last evaluated 2023-06-01.

Conditions:
Familial cancer of breast. Also called: Hereditary breast cancer; BREAST CANCER, FAMILIAL; hereditary breast carcinoma. Identifiers: Orphanet 227535, MedGen C0346153, MONDO:0016419, OMIM 114480. Disease mechanism: loss of function.

Submissions (2):

Myriad Genetics, Inc.
Classification: Pathogenic for Familial cancer of breast. Last evaluated: 2023-06-01. Review status: criteria provided, single submitter. Criteria: Myriad Autosomal Dominant, Autosomal Recessive and X-Linked Classification Criteria (2023). Collection method: clinical testing. Allele origin: unknown.
Comment: This variant is considered pathogenic. This variant creates a termination codon and is predicted to result in premature protein truncation.

Clinical Genetics Laboratory, Skane University Hospital Lund
Classification: Pathogenic. Last evaluated: 2023-02-03. Review status: criteria provided, single submitter. Criteria: ACMG Guidelines, 2015. Collection method: clinical testing. Allele origin: germline. Affected: yes.

NM_032043.3(BRIP1):c.1159G>T (p.Glu387Ter)

Gene: BRIP1 (BRCA1 interacting DNA helicase 1; minus strand). Cytogenetic location: 17q23.2.
Variant type: single nucleotide variant.
Coding change: c.1159G>T on transcript NM_032043.3 (MANE Select); coding-DNA position 1159, G replaced by T.
Protein change: p.Glu387Ter; replaces glutamic acid 387 with a stop codon.
Molecular consequence: nonsense.
Genome position (GRCh38, 1-based): chr17:61,799,281, C>A on the plus strand (G>T on the coding strand, the complement: BRIP1 is on the minus strand). VCF-style: chr17-61799281-C-A. GRCh37 (hg19) VCF-style: chr17-59876642-C-A.
Other names: short protein forms E387*.
Identifiers: ClinVar variation 2583311 (VCV002583311.3), dbSNP rs1555607230, ClinGen allele CA400483794.